The following is an entry in ClinVar:

ClinVar aggregate classification (germline): Benign (1 of 4 stars; one submission).

Conditions:
Holoprosencephaly 9 (HPE9). Also called: HOLOPROSENCEPHALY WITH MICROPHTHALMIA AND FIRST BRANCHIAL ARCH ANOMALIES; PITUITARY ANOMALIES WITH HOLOPROSENCEPHALY-LIKE FEATURES. Identifiers: Orphanet 2162, MedGen C1835819, MONDO:0012563, OMIM 610829.

Allele frequency attached by ClinVar (database versions not stated): ExAC 0.00063; gnomAD exomes 0.00065; 1000 Genomes Project 30x 0.00094; 1000 Genomes Project 0.00100; ESP Exome Variant Server 0.00202; gnomAD 0.00234 and 0.00257; TOPMed 0.00270.
gnomAD v4.1: 696 of 1,525,750 alleles (0.046%); highest among the groups gnomAD compares: African/African-American, 0.82%; no homozygotes.

Submission:

Illumina Laboratory Services, Illumina
Classification: Benign for Holoprosencephaly 9. Last evaluated: 2018-01-12. Review status: criteria provided, single submitter. Criteria: ICSL Variant Classification Criteria 13 December 2019. Collection method: clinical testing. Allele origin: germline.
Comment: This variant was observed in the ICSL laboratory as part of a predisposition screen in an ostensibly healthy population. It had not been previously curated by ICSL or reported in the Human Gene Mutation Database (HGMD: prior to June 1st, 2018), and was therefore a candidate for classification through an automated scoring system. Utilizing variant allele frequency, disease prevalence and penetrance estimates, and inheritance mode, an automated score was calculated to assess if this variant is too frequent to cause the disease. Based on the score and internal cut-off values, a variant classified as benign is not then subjected to further curation. The score for this variant resulted in a classification of benign for this disease.

NM_001374353.1(GLI2):c.*42C>T

Gene: GLI2 (GLI family zinc finger 2; plus strand). Cytogenetic location: 2q14.2.
Variant type: single nucleotide variant.
Coding change: c.*42C>T on transcript NM_001374353.1 (MANE Select); 42 bases downstream of the stop codon, C replaced by T.
Molecular consequence: 3 prime UTR variant.
Genome position (GRCh38, 1-based): chr2:120,990,717, C>T. VCF-style: chr2-120990717-C-T. GRCh37 (hg19) VCF-style: chr2-121748293-C-T.
Other names: c.*42C>T (NM_001371271.1, NM_001374354.1, NM_005270.5).
Identifiers: ClinVar variation 331000 (VCV000331000.5), dbSNP rs185228238, ClinGen allele CA1852703.